The following is an entry in ClinVar:

ClinVar aggregate classification (germline): Uncertain significance (1 of 4 stars; one submission).

Submission:

GeneDx
Classification: Uncertain significance. Last evaluated: 2025-05-30. Review status: criteria provided, single submitter. Criteria: GeneDx Variant Classification Process June 2021. Collection method: clinical testing. Allele origin: germline. Affected: yes.
Comment: Not observed at significant frequency in large population cohorts (gnomAD); In silico analysis supports that this missense variant has a deleterious effect on protein structure/function; This variant is associated with the following publications: (PMID: 26297558, 26026163)

NM_002860.4(ALDH18A1):c.1955C>T (p.Ser652Phe)

Gene: ALDH18A1 (aldehyde dehydrogenase 18 family member A1; minus strand). Cytogenetic location: 10q24.1.
Variant type: single nucleotide variant.
Coding change: c.1955C>T on transcript NM_002860.4 (MANE Select); coding-DNA position 1955, C replaced by T.
Protein change: p.Ser652Phe; replaces serine 652 with phenylalanine.
Molecular consequence: missense variant.
Genome position (GRCh38, 1-based): chr10:95,611,411, G>A on the plus strand (C>T on the coding strand, the complement: ALDH18A1 is on the minus strand). VCF-style: chr10-95611411-G-A. GRCh37 (hg19) VCF-style: chr10-97371168-G-A.
Other names: c.1949C>T, p.Ser650Phe (NM_001017423.2, NM_001323415.2); c.1622C>T, p.Ser541Phe (NM_001323412.2, NM_001323416.2); c.1955C>T, p.Ser652Phe (NM_001323413.2, NM_001323414.2); c.1850C>T, p.Ser617Phe (NM_001323417.2); c.1616C>T, p.Ser539Phe (NM_001323418.2); c.1319C>T, p.Ser440Phe (NM_001323419.2); short protein forms S440F, S539F, S541F, S617F, S650F, S652F.
Identifiers: ClinVar variation 4532324 (VCV004532324.1).